The following is an entry in ClinVar:

NM_001042492.3(NF1):c.1310T>G (p.Val437Gly)

Gene: NF1 (neurofibromin 1; plus strand). Cytogenetic location: 17q11.2.
Variant type: single nucleotide variant.
Coding change: c.1310T>G on transcript NM_001042492.3 (MANE Select); coding-DNA position 1310, T replaced by G.
Protein change: p.Val437Gly; replaces valine 437 with glycine.
Molecular consequence: missense variant.
Genome position (GRCh38, 1-based): chr17:31,206,289, T>G. VCF-style: chr17-31206289-T-G. GRCh37 (hg19) VCF-style: chr17-29533307-T-G.
Other names: c.1310T>G, p.Val437Gly (NM_000267.4, NM_001128147.3); short protein forms V437G.
Identifiers: ClinVar variation 3634498 (VCV003634498.2).

ClinVar aggregate classification (germline): Uncertain significance (1 of 4 stars; one submission).

Conditions:
Neurofibromatosis, type 1 (NF1). Also called: VON RECKLINGHAUSEN DISEASE; Peripheral type neurofibromatosis; NEUROFIBROMATOSIS, TYPE I, SOMATIC; Neurofibromatosis, type I. Identifiers: Orphanet 636, MedGen C0027831, MONDO:0018975, OMIM 162200. Disease mechanism: loss of function.

Submission:

Labcorp Genetics (formerly Invitae), Labcorp
Classification: Uncertain significance for Neurofibromatosis, type 1. Last evaluated: 2024-06-19. Review status: criteria provided, single submitter. Criteria: Invitae Variant Classification Sherloc (09022015). Collection method: clinical testing. Allele origin: germline.
Comment: This sequence change replaces valine, which is neutral and non-polar, with glycine, which is neutral and non-polar, at codon 437 of the NF1 protein (p.Val437Gly). This variant is not present in population databases (gnomAD no frequency). This variant has not been reported in the literature in individuals affected with NF1-related conditions. Advanced modeling of protein sequence and biophysical properties (such as structural, functional, and spatial information, amino acid conservation, physicochemical variation, residue mobility, and thermodynamic stability) performed at Invitae indicates that this missense variant is not expected to disrupt NF1 protein function with a negative predictive value of 95%. In summary, the available evidence is currently insufficient to determine the role of this variant in disease. Therefore, it has been classified as a Variant of Uncertain Significance.